The following is an entry in ClinVar:

NM_032444.4(SLX4):c.2565T>A (p.Tyr855Ter)

Gene: SLX4 (SLX4 structure-specific endonuclease subunit; minus strand). Cytogenetic location: 16p13.3.
Variant type: single nucleotide variant.
Coding change: c.2565T>A on transcript NM_032444.4 (MANE Select); coding-DNA position 2565, T replaced by A.
Protein change: p.Tyr855Ter; replaces tyrosine 855 with a stop codon.
Molecular consequence: nonsense.
Genome position (GRCh38, 1-based): chr16:3,591,073, A>T on the plus strand (T>A on the coding strand, the complement: SLX4 is on the minus strand). VCF-style: chr16-3591073-A-T. GRCh37 (hg19) VCF-style: chr16-3641074-A-T.
Other names: short protein forms Y855*.
Identifiers: ClinVar variation 2905542 (VCV002905542.3), dbSNP rs1466044046, ClinGen allele CA394523422.

ClinVar aggregate classification (germline): Pathogenic (1 of 4 stars; one submission).

Conditions:
Fanconi anemia (FA). Also called: Fanconi's anemia. Identifiers: Orphanet 84, MedGen C0015625, MeSH D005199, MONDO:0019391.

Submission:

Labcorp Genetics (formerly Invitae), Labcorp
Classification: Pathogenic for Fanconi anemia. Last evaluated: 2024-04-29. Review status: criteria provided, single submitter. Criteria: Invitae Variant Classification Sherloc (09022015). Collection method: clinical testing. Allele origin: germline.
Comment: This sequence change creates a premature translational stop signal (p.Tyr855*) in the SLX4 gene. It is expected to result in an absent or disrupted protein product. Loss-of-function variants in SLX4 are known to be pathogenic (PMID: 21240277). This variant is not present in population databases (gnomAD no frequency). This variant has not been reported in the literature in individuals affected with SLX4-related conditions. For these reasons, this variant has been classified as Pathogenic.

Literature cited by the submitters: PubMed 21240277.